The following is an entry in ClinVar:

ClinVar aggregate classification (germline): Conflicting classifications of pathogenicity. Review status: criteria provided, conflicting classifications (1 of 4 stars). 4 submissions from 4 submitters: Uncertain significance (3); Likely benign (1). Last evaluated 2025-08-07.

Conditions:
Inborn genetic diseases. Identifiers: MedGen C0950123, MeSH D030342.
Imerslund-Grasbeck syndrome type 1 (IGS1). Also called: Megaloblastic anemia 1, Finnish type; MEGALOBLASTIC ANEMIA, 1; Imerslund-Gräsbeck syndrome 1. Identifiers: MedGen C4016819, MONDO:0100156, OMIM 261100.
Proteinuria, chronic benign. Identifiers: MedGen C5394384, MONDO:0030042, OMIM 618884.
Imerslund-Grasbeck syndrome. Also called: ENTEROCYTE COBALAMIN MALABSORPTION; ENTEROCYTE INTRINSIC FACTOR RECEPTOR, DEFECT OF; PERNICIOUS ANEMIA, JUVENILE, DUE TO SELECTIVE INTESTINAL MALABSORPTION OF VITAMIN B12, WITH PROTEINURIA; Imerslund-Gräsbeck syndrome; Megaloblastic anemia due to inborn errors of metabolism. Identifiers: Orphanet 35858, MedGen C4551825, MONDO:0009853.

Allele frequency attached by ClinVar (database versions not stated): ESP Exome Variant Server 0.00023; TOPMed 0.00032.
gnomAD v4.1: 141 of 1,614,006 alleles (0.0087%); highest among the groups gnomAD compares: African/African-American, 0.099%; 1 homozygote.

Submissions (4):

Ambry Genetics
Classification: Uncertain significance for Inborn genetic diseases. Last evaluated: 2025-08-07. Review status: criteria provided, single submitter. Criteria: Ambry Variant Classification Scheme 2023. Collection method: clinical testing. Allele origin: germline.

GeneDx
Classification: Uncertain significance. Last evaluated: 2025-01-31. Review status: criteria provided, single submitter. Criteria: GeneDx Variant Classification Process June 2021. Collection method: clinical testing. Allele origin: germline. Affected: yes.
Comment: In silico analysis indicates that this missense variant does not alter protein structure/function; Has not been previously published as pathogenic or benign to our knowledge

Fulgent Genetics
Classification: Likely benign for Imerslund-Grasbeck syndrome type 1; Proteinuria, chronic benign. Last evaluated: 2024-05-22. Review status: criteria provided, single submitter. Criteria: ACMG Guidelines, 2015. Collection method: clinical testing. Allele origin: germline.

Labcorp Genetics (formerly Invitae), Labcorp
Classification: Uncertain significance for Imerslund-Grasbeck syndrome. Last evaluated: 2021-12-20. Review status: criteria provided, single submitter. Criteria: Invitae Variant Classification Sherloc (09022015). Collection method: clinical testing. Allele origin: germline.
Comment: This sequence change replaces valine, which is neutral and non-polar, with isoleucine, which is neutral and non-polar, at codon 2122 of the CUBN protein (p.Val2122Ile). This variant is present in population databases (rs140117869, gnomAD 0.07%). This variant has not been reported in the literature in individuals affected with CUBN-related conditions. Algorithms developed to predict the effect of missense changes on protein structure and function are either unavailable or do not agree on the potential impact of this missense change (SIFT: "Tolerated"; PolyPhen-2: "Possibly Damaging"; Align-GVGD: "Class C0"). In summary, the available evidence is currently insufficient to determine the role of this variant in disease. Therefore, it has been classified as a Variant of Uncertain Significance.

NM_001081.4(CUBN):c.6364G>A (p.Val2122Ile)

Gene: CUBN (cubilin; minus strand). Cytogenetic location: 10p13.
Variant type: single nucleotide variant.
Coding change: c.6364G>A on transcript NM_001081.4 (MANE Select); coding-DNA position 6364, G replaced by A.
Protein change: p.Val2122Ile; replaces valine 2122 with isoleucine.
Molecular consequence: missense variant.
Genome position (GRCh38, 1-based): chr10:16,925,682, C>T on the plus strand (G>A on the coding strand, the complement: CUBN is on the minus strand). VCF-style: chr10-16925682-C-T. GRCh37 (hg19) VCF-style: chr10-16967681-C-T.
Other names: short protein forms V2122I.
Identifiers: ClinVar variation 1928401 (VCV001928401.6), dbSNP rs140117869, ClinGen allele CA5423700.